The following is an entry in ClinVar:

ClinVar aggregate classification (germline): Uncertain significance (1 of 4 stars; one submission).

Conditions:
Ellis-van Creveld syndrome (EVC). Also called: EVC-Related Ellis-van Creveld Syndrome; EVC2-Related Ellis-van Creveld Syndrome; MESOECTODERMAL DYSPLASIA; Chondroectodermal dysplasia. Identifiers: Orphanet 289, MedGen C0013903, MONDO:0009162, OMIM 225500.
Curry-Hall syndrome (WAD). Also called: WEYERS ACRODENTAL DYSOSTOSIS. Identifiers: Orphanet 952, MedGen C0457013, MONDO:0008673, OMIM 193530.

Submission:

Labcorp Genetics (formerly Invitae), Labcorp
Classification: Uncertain significance for Curry-Hall syndrome; Ellis-van Creveld syndrome. Last evaluated: 2025-01-06. Review status: criteria provided, single submitter. Criteria: Invitae Variant Classification Sherloc (09022015). Collection method: clinical testing. Allele origin: germline.
Comment: This sequence change replaces arginine, which is basic and polar, with proline, which is neutral and non-polar, at codon 38 of the EVC2 protein (p.Arg38Pro). This variant is not present in population databases (gnomAD no frequency). This variant has not been reported in the literature in individuals affected with EVC2-related conditions. An algorithm developed to predict the effect of missense changes on protein structure and function (PolyPhen-2) suggests that this variant is likely to be tolerated. In summary, the available evidence is currently insufficient to determine the role of this variant in disease. Therefore, it has been classified as a Variant of Uncertain Significance.

NM_147127.5(EVC2):c.113G>C (p.Arg38Pro)

Gene: EVC2 (EvC ciliary complex subunit 2; minus strand). Cytogenetic location: 4p16.2.
Variant type: single nucleotide variant.
Coding change: c.113G>C on transcript NM_147127.5 (MANE Select); coding-DNA position 113, G replaced by C.
Protein change: p.Arg38Pro; replaces arginine 38 with proline.
Molecular consequence: missense variant. On other transcripts: intron variant (1).
Genome position (GRCh38, 1-based): chr4:5,708,401, C>G on the plus strand (G>C on the coding strand, the complement: EVC2 is on the minus strand). VCF-style: chr4-5708401-C-G. GRCh37 (hg19) VCF-style: chr4-5710128-C-G.
Other names: c.-13+428G>C (NM_001166136.2); short protein forms R38P.
Identifiers: ClinVar variation 3748913 (VCV003748913.2).